The following is an entry in ClinVar:

NM_004104.5(FASN):c.4223C>T (p.Pro1408Leu)

Gene: FASN (fatty acid synthase; minus strand). Cytogenetic location: 17q25.3.
Variant type: single nucleotide variant.
Coding change: c.4223C>T on transcript NM_004104.5 (MANE Select); coding-DNA position 4223, C replaced by T.
Protein change: p.Pro1408Leu; replaces proline 1408 with leucine.
Molecular consequence: missense variant.
Genome position (GRCh38, 1-based): chr17:82,085,302, G>A on the plus strand (C>T on the coding strand, the complement: FASN is on the minus strand). VCF-style: chr17-82085302-G-A. GRCh37 (hg19) VCF-style: chr17-80043178-G-A.
Other names: short protein forms P1408L.
Identifiers: ClinVar variation 531034 (VCV000531034.10), dbSNP rs1438367361, ClinGen allele CA401548465.

ClinVar aggregate classification (germline): Uncertain significance (1 of 4 stars; one submission).

Conditions:
Epileptic encephalopathy. Identifiers: MedGen C0543888, HP:0200134.

gnomAD v4.1: 3 of 1,611,262 alleles (0.00019%); highest among the groups gnomAD compares: African/African-American, 0.0027%; no homozygotes.

Submission:

Labcorp Genetics (formerly Invitae), Labcorp
Classification: Uncertain significance for Epileptic encephalopathy. Last evaluated: 2020-01-27. Review status: criteria provided, single submitter. Criteria: Invitae Variant Classification Sherloc (09022015). Collection method: clinical testing. Allele origin: germline.
Comment: Algorithms developed to predict the effect of missense changes on protein structure and function output the following: SIFT: "Tolerated"; PolyPhen-2: "Benign"; Align-GVGD: "Class C0". The leucine amino acid residue is found in multiple mammalian species, suggesting that this missense change does not adversely affect protein function. These predictions have not been confirmed by published functional studies and their clinical significance is uncertain. This sequence change replaces proline with leucine at codon 1408 of the FASN protein (p.Pro1408Leu). The proline residue is moderately conserved and there is a moderate physicochemical difference between proline and leucine. This variant is not present in population databases (ExAC no frequency). This variant has not been reported in the literature in individuals with FASN-related disease. In summary, the available evidence is currently insufficient to determine the role of this variant in disease. Therefore, it has been classified as a Variant of Uncertain Significance.